The following is an entry in ClinVar:

ClinVar aggregate classification (germline): Benign/Likely benign. Review status: criteria provided, multiple submitters, no conflicts (2 of 4 stars). 4 submissions from 4 submitters: Benign (1); Likely benign (3). Last evaluated 2026-01-28.

Conditions:
Lethal congenital glycogen storage disease of heart. Also called: PHOSPHORYLASE KINASE DEFICIENCY OF HEART; GLYCOGEN STORAGE DISEASE OF HEART. Identifiers: Orphanet 439854, MedGen C1849813, MONDO:0009867, OMIM 261740.

Allele frequency attached by ClinVar (database versions not stated): TOPMed 0.00005; ESP Exome Variant Server 0.00015.
gnomAD v4.1: 304 of 1,613,856 alleles (0.019%); highest among the groups gnomAD compares: Non-Finnish European, 0.024%; no homozygotes.

Submissions (4):

Labcorp Genetics (formerly Invitae), Labcorp
Classification: Likely benign for Lethal congenital glycogen storage disease of heart. Last evaluated: 2026-01-28. Review status: criteria provided, single submitter. Criteria: Invitae Variant Classification Sherloc (09022015). Collection method: clinical testing. Allele origin: germline.

Blueprint Genetics
Classification: Likely benign. Last evaluated: 2023-12-21. Review status: criteria provided, single submitter. Criteria: ACMG Guidelines, 2015. Collection method: clinical testing. Allele origin: germline.

Women's Health and Genetics/Laboratory Corporation of America, LabCorp
Classification: Benign. Last evaluated: 2020-10-01. Review status: criteria provided, single submitter. Criteria: LabCorp Variant Classification Summary - May 2015. Collection method: clinical testing. Allele origin: germline.
Comment: Variant summary: PRKAG2 c.1679-19A>T alters a non-conserved nucleotide located close to a canonical splice site and therefore could affect mRNA splicing, leading to a significantly altered protein sequence. 4/4 computational tools predict no significant impact on normal splicing. However, these predictions have yet to be confirmed by functional studies. The variant allele was found at a frequency of 4e-05 in 249164 control chromosomes. The observed variant frequency is approximately 3.2-fold the estimated maximal expected allele frequency for a pathogenic variant in PRKAG2 causing Hypertrophic Cardiomyopathy With Wolff-Parkinson-White phenotype (1.3e-05), strongly suggesting that the variant is benign. To our knowledge, no occurrence of c.1679-19A>T in individuals affected with Hypertrophic Cardiomyopathy With Wolff-Parkinson-White and no experimental evidence demonstrating its impact on protein function have been reported. One clinical diagnostic laboratory has submitted clinical-significance assessments for this variant to ClinVar after 2014 without evidence for independent evaluation, citing the variant as likely benign. Based on the evidence outlined above, the variant was classified as benign.

GeneDx
Classification: Likely benign. Last evaluated: 2017-10-20. Review status: criteria provided, single submitter. Criteria: GeneDx Variant Classification (06012015). Collection method: clinical testing. Allele origin: germline. Affected: yes.
Comment: This variant is considered likely benign or benign based on one or more of the following criteria: it is a conservative change, it occurs at a poorly conserved position in the protein, it is predicted to be benign by multiple in silico algorithms, and/or has population frequency not consistent with disease.

NM_016203.4(PRKAG2):c.1679-19A>T

Gene: PRKAG2 (protein kinase AMP-activated non-catalytic subunit gamma 2; minus strand). Cytogenetic location: 7q36.1.
Variant type: single nucleotide variant.
Coding change: c.1679-19A>T on transcript NM_016203.4 (MANE Select); 19 bases into the intron before coding-DNA position 1679, A replaced by T.
Molecular consequence: intron variant.
Genome position (GRCh38, 1-based): chr7:151,557,251, T>A on the plus strand (A>T on the coding strand, the complement: PRKAG2 is on the minus strand). VCF-style: chr7-151557251-T-A. GRCh37 (hg19) VCF-style: chr7-151254337-T-A.
Other names: c.1547-19A>T (NM_001040633.2); c.1304-19A>T (NM_001304527.2); c.1307-19A>T (NM_001363698.2); c.956-19A>T (NM_001304531.2, NM_024429.2).
Identifiers: ClinVar variation 517071 (VCV000517071.10), dbSNP rs200262620, ClinGen allele CA056130.
Genomic context (GRCh38, chr7:151,557,251, plus strand): 5'-TTCACGGCGGTCACTCCGTTTCTGTCTCCTTTTGTTTGGCACCTGTCAGTGGATGGAAGA[T>A]GAAAGTTTCAAAGCTCATGGTAACAGCAGGGTTCTCTACCCCAGGGGTTTCTACCTGTGT-3'